The following is an entry in ClinVar:

NM_080425.4(GNAS):c.1304C>T (p.Pro435Leu)

Gene: GNAS (GNAS complex locus; plus strand). Cytogenetic location: 20q13.32.
Variant type: single nucleotide variant.
Coding change: c.1304C>T on transcript NM_080425.4 (MANE Plus Clinical); coding-DNA position 1304, C replaced by T.
Protein change: p.Pro435Leu; replaces proline 435 with leucine.
Molecular consequence: missense variant. On other transcripts: synonymous variant (2), intron variant (3).
Genome position (GRCh38, 1-based): chr20:58,854,569, C>T. VCF-style: chr20-58854569-C-T. GRCh37 (hg19) VCF-style: chr20-57429624-C-T.
Other names: c.1117C>T, p.Leu373= (NM_001077490.3, NM_001309883.1); c.1304C>T, p.Pro435Leu (NM_001410913.1); c.*42+13683C>T (NM_016592.5); c.43+13683C>T (NM_001410912.1); c.-39+12694C>T (NM_001309861.2); short protein forms P435L.
Identifiers: ClinVar variation 3344601 (VCV003344601.1).

ClinVar aggregate classification (germline): Uncertain significance (0 of 4 stars; one submission).

Conditions:
GNAS-related disorder. Identifiers: MedGen CN380105.

Submission:

PreventionGenetics, part of Exact Sciences
Classification: Uncertain significance for GNAS-related condition. Last evaluated: 2024-08-09. Review status: no assertion criteria provided. Collection method: clinical testing. Allele origin: germline.
Comment: The GNAS c.1304C>T variant is predicted to result in the amino acid substitution p.Pro435Leu. To our knowledge, this variant has not been reported in the literature or in a large population database, indicating this variant is rare. At this time, the clinical significance of this variant is uncertain due to the absence of conclusive functional and genetic evidence.